The following is an entry in ClinVar:

NM_001368894.2(PAX6):c.919A>C (p.Thr307Pro)

Gene: PAX6 (paired box 6; minus strand). Cytogenetic location: 11p13.
Variant type: single nucleotide variant.
Coding change: c.919A>C on transcript NM_001368894.2 (MANE Select); coding-DNA position 919, A replaced by C.
Protein change: p.Thr307Pro; replaces threonine 307 with proline.
Molecular consequence: missense variant. On other transcripts: non-coding transcript variant (2).
Genome position (GRCh38, 1-based): chr11:31,793,691, T>G on the plus strand (A>C on the coding strand, the complement: PAX6 is on the minus strand). VCF-style: chr11-31793691-T-G. GRCh37 (hg19) VCF-style: chr11-31815239-T-G.
Other names: c.877A>C, p.Thr293Pro (NM_000280.6, NM_001127612.3, NM_001258464.2 and 10 more transcripts); c.919A>C, p.Thr307Pro (NM_001258462.3, NM_001258463.2, NM_001310158.2 and 6 more transcripts); c.469A>C, p.Thr157Pro (NM_001310160.2, NM_001310161.3, NM_001368899.2 and 11 more transcripts); c.1120A>C, p.Thr374Pro (NM_001368910.2); c.922A>C, p.Thr308Pro (NM_001368911.2); c.994A>C, p.Thr332Pro (NM_001368918.2, NM_001368919.2); c.952A>C, p.Thr318Pro (NM_001368920.2); c.718A>C, p.Thr240Pro (NM_001368921.2, NM_001368922.2, NM_001368923.2 and 4 more transcripts); and 2 more; short protein forms T157P, T226P, T240P, T293P, T307P, T308P, T318P, T332P.
Identifiers: ClinVar variation 3757746 (VCV003757746.2).
Genomic context (GRCh38, chr11:31,793,691, plus strand): 5'-AGTATTAGTATTTCAAATTACCCGGTGTGGTGGGTTGTGGAATTGGTTGGTAGACACTGG[T>G]GCTGAAACTACTGCTGATAGGAATATGACTAGGTGTGTTGCTGGCCTGTCTTCTCTGATT-3'
Protein context (NP_001355823.1, residues 297-317): SHIPISSSFS[Thr307Pro]SVYQPIPQPT

ClinVar aggregate classification (germline): Uncertain significance (1 of 4 stars; one submission).

Conditions:
Aniridia 1 (AN1). Identifiers: Orphanet 250923, MedGen C0344542, MONDO:0024507, OMIM 106210.
Irido-corneo-trabecular dysgenesis (ASGD5). Also called: ANTERIOR SEGMENT DYSGENESIS 5. Identifiers: Orphanet 708, MedGen C0344559, MONDO:0011414, OMIM 604229, HP:0000659.

Submission:

Labcorp Genetics (formerly Invitae), Labcorp
Classification: Uncertain significance for Aniridia 1; Irido-corneo-trabecular dysgenesis. Last evaluated: 2024-08-19. Review status: criteria provided, single submitter. Criteria: Invitae Variant Classification Sherloc (09022015). Collection method: clinical testing. Allele origin: germline.
Comment: This sequence change replaces threonine, which is neutral and polar, with proline, which is neutral and non-polar, at codon 293 of the PAX6 protein (p.Thr293Pro). This variant is not present in population databases (gnomAD no frequency). This variant has not been reported in the literature in individuals affected with PAX6-related conditions. Invitae Evidence Modeling of protein sequence and biophysical properties (such as structural, functional, and spatial information, amino acid conservation, physicochemical variation, residue mobility, and thermodynamic stability) indicates that this missense variant is not expected to disrupt PAX6 protein function with a negative predictive value of 80%. In summary, the available evidence is currently insufficient to determine the role of this variant in disease. Therefore, it has been classified as a Variant of Uncertain Significance.